The following is an entry in ClinVar:

ClinVar aggregate classification (germline): Uncertain significance (1 of 4 stars; one submission).

Conditions:
Familial thoracic aortic aneurysm and aortic dissection (TAAD). Also called: Thoracic aortic aneurysms and dissections. Identifiers: Orphanet 91387, MedGen C4707243, MONDO:0019625.

gnomAD v4.1: 1 of 1,611,266 alleles (0.000062%); no homozygotes.

Submission:

Ambry Genetics
Classification: Uncertain significance for Familial thoracic aortic aneurysm and aortic dissection. Last evaluated: 2024-10-24. Review status: criteria provided, single submitter. Criteria: Ambry Variant Classification Scheme 2023. Collection method: clinical testing. Allele origin: germline.
Comment: The c.960+4A>T intronic variant results from an A to T substitution 4 nucleotides after coding exon 14 in the COL5A2 gene. This nucleotide position is well conserved in available vertebrate species. In silico splice site analysis predicts that this alteration will not have any significant effect on splicing. Based on the available evidence, the clinical significance of this variant remains unclear.

NM_000393.5(COL5A2):c.960+4A>T

Gene: COL5A2 (collagen type V alpha 2 chain; minus strand). Cytogenetic location: 2q32.2.
Variant type: single nucleotide variant.
Coding change: c.960+4A>T on transcript NM_000393.5 (MANE Select); 4 bases into the intron after coding-DNA position 960, A replaced by T.
Molecular consequence: intron variant.
Genome position (GRCh38, 1-based): chr2:189,079,974, T>A on the plus strand (A>T on the coding strand, the complement: COL5A2 is on the minus strand). VCF-style: chr2-189079974-T-A. GRCh37 (hg19) VCF-style: chr2-189944700-T-A.
Identifiers: ClinVar variation 3495586 (VCV003495586.1).